The following is an entry in ClinVar:

ClinVar aggregate classification (germline): Uncertain significance (1 of 4 stars; one submission).

Conditions:
Dihydropteridine reductase deficiency (HPABH4C). Also called: BH4-Deficient Hyperphenylalaninemia C; HYPERPHENYLALANINEMIA, TETRAHYDROBIOPTERIN-DEFICIENT, DUE TO DHPR DEFICIENCY; QDPR DEFICIENCY; QUINOID DIHYDROPTERIDINE REDUCTASE DEFICIENCY; Phenylketonuria II; Hyperphenylalaninemia due to dihydropteridine reductase deficiency. Identifiers: Orphanet 226, Orphanet 238583, MedGen C0268465, MONDO:0009862, OMIM 261630.

Allele frequency attached by ClinVar (database versions not stated): gnomAD exomes below 0.00001; ExAC 0.00001; gnomAD 0.00001; TOPMed 0.00001; ESP Exome Variant Server 0.00008.
gnomAD v4.1: 3 of 1,613,694 alleles (0.00019%); highest among the groups gnomAD compares: African/African-American, 0.0027%; no homozygotes.

Submission:

Labcorp Genetics (formerly Invitae), Labcorp
Classification: Uncertain significance for Dihydropteridine reductase deficiency. Last evaluated: 2022-06-27. Review status: criteria provided, single submitter. Criteria: Invitae Variant Classification Sherloc (09022015). Collection method: clinical testing. Allele origin: germline.
Comment: This sequence change replaces glycine, which is neutral and non-polar, with alanine, which is neutral and non-polar, at codon 146 of the QDPR protein (p.Gly146Ala). This variant is present in population databases (rs144673363, gnomAD 0.01%). This variant has not been reported in the literature in individuals affected with QDPR-related conditions. Algorithms developed to predict the effect of missense changes on protein structure and function are either unavailable or do not agree on the potential impact of this missense change (SIFT: "Tolerated"; PolyPhen-2: "Possibly Damaging"; Align-GVGD: "Class C0"). Algorithms developed to predict the effect of sequence changes on RNA splicing suggest that this variant may disrupt the consensus splice site. In summary, the available evidence is currently insufficient to determine the role of this variant in disease. Therefore, it has been classified as a Variant of Uncertain Significance.

NM_000320.3(QDPR):c.437G>C (p.Gly146Ala)

Gene: QDPR (quinoid dihydropteridine reductase; minus strand). Cytogenetic location: 4p15.32.
Variant type: single nucleotide variant.
Coding change: c.437G>C on transcript NM_000320.3 (MANE Select); coding-DNA position 437, G replaced by C.
Protein change: p.Gly146Ala; replaces glycine 146 with alanine.
Molecular consequence: missense variant.
Genome position (GRCh38, 1-based): chr4:17,492,340, C>G on the plus strand (G>C on the coding strand, the complement: QDPR is on the minus strand). VCF-style: chr4-17492340-C-G. GRCh37 (hg19) VCF-style: chr4-17493963-C-G.
Other names: c.344G>C, p.Gly115Ala (NM_001306140.2); short protein forms G115A, G146A.
Identifiers: ClinVar variation 1492868 (VCV001492868.5), dbSNP rs144673363, ClinGen allele CA2868100.
Genomic context (GRCh38, chr4:17,492,340, plus strand): 5'-CCAGCCAGGCTCTGGCAGAGCTGGTGAACAGCACCCTTGGCCATGCCGTACCCGATCATA[C>G]CTGGGAAATGGGGAGAAGATGGCTCAGTGACCACTGGCGGCCAGGGGGACAGCAAGGACA-3'
Protein context (NP_000311.2, residues 136-156): GAKAALDGTP[Gly146Ala]MIGYGMAKGA